The following is an entry in ClinVar:

NM_206933.4(USH2A):c.5848A>G (p.Thr1950Ala)

Genes: USH2A (usherin; minus strand), USH2A-AS2 (USH2A antisense RNA 2; plus strand). Cytogenetic location: 1q41.
Variant type: single nucleotide variant.
Coding change: c.5848A>G on transcript NM_206933.4 (MANE Select); coding-DNA position 5848, A replaced by G.
Protein change: p.Thr1950Ala; replaces threonine 1950 with alanine.
Molecular consequence: missense variant.
Genome position (GRCh38, 1-based): chr1:216,072,898, T>C on the plus strand (A>G on the coding strand, the complement: USH2A is on the minus strand). VCF-style: chr1-216072898-T-C. GRCh37 (hg19) VCF-style: chr1-216246240-T-C.
Other names: short protein forms T1950A.
Identifiers: ClinVar variation 1467213 (VCV001467213.6), dbSNP rs2102548566, ClinGen allele CA344853745.

ClinVar aggregate classification (germline): Uncertain significance (1 of 4 stars; one submission).

Submission:

Labcorp Genetics (formerly Invitae), Labcorp
Classification: Uncertain significance. Last evaluated: 2024-05-22. Review status: criteria provided, single submitter. Criteria: Invitae Variant Classification Sherloc (09022015). Collection method: clinical testing. Allele origin: germline.
Comment: This sequence change replaces threonine, which is neutral and polar, with alanine, which is neutral and non-polar, at codon 1950 of the USH2A protein (p.Thr1950Ala). This variant is not present in population databases (gnomAD no frequency). This missense change has been observed in individual(s) with retinitis pigmentosa (PMID: 28894305). ClinVar contains an entry for this variant (Variation ID: 1467213). Advanced modeling of protein sequence and biophysical properties (such as structural, functional, and spatial information, amino acid conservation, physicochemical variation, residue mobility, and thermodynamic stability) performed at Invitae indicates that this missense variant is not expected to disrupt USH2A protein function with a negative predictive value of 95%. In summary, the available evidence is currently insufficient to determine the role of this variant in disease. Therefore, it has been classified as a Variant of Uncertain Significance.

Literature cited by the submitters: PubMed 28894305.